The following is an entry in ClinVar:

ClinVar aggregate classification (germline): Conflicting classifications of pathogenicity. Review status: criteria provided, conflicting classifications (1 of 4 stars). 2 submissions from 2 submitters: Uncertain significance (1); Likely benign (1). Last evaluated 2026-03-01.

Allele frequency attached by ClinVar (database versions not stated): TOPMed below 0.00001; gnomAD exomes 0.00001; ExAC 0.00003.
gnomAD v4.1: 8 of 1,614,108 alleles (0.0005%); highest among the groups gnomAD compares: Admixed American, 0.012%; no homozygotes.

Submissions (2):

CeGaT Center for Human Genetics Tuebingen
Classification: Likely benign. Last evaluated: 2026-03-01. Review status: criteria provided, single submitter. Criteria: CeGaT Center For Human Genetics Tuebingen Variant Classification Criteria Version 2. Collection method: clinical testing. Allele origin: germline. Affected: yes. Observed: 1 variant allele.
Comment: KMT2A: BP4

Labcorp Genetics (formerly Invitae), Labcorp
Classification: Uncertain significance. Last evaluated: 2025-04-23. Review status: criteria provided, single submitter. Criteria: Invitae Variant Classification Sherloc (09022015). Collection method: clinical testing. Allele origin: germline.
Comment: This sequence change replaces proline, which is neutral and non-polar, with serine, which is neutral and polar, at codon 603 of the KMT2A protein (p.Pro603Ser). This variant is present in population databases (rs782548809, gnomAD 0.02%). This variant has not been reported in the literature in individuals affected with KMT2A-related conditions. ClinVar contains an entry for this variant (Variation ID: 1938249). Invitae Evidence Modeling of protein sequence and biophysical properties (such as structural, functional, and spatial information, amino acid conservation, physicochemical variation, residue mobility, and thermodynamic stability) indicates that this missense variant is not expected to disrupt KMT2A protein function with a negative predictive value of 95%. In summary, the available evidence is currently insufficient to determine the role of this variant in disease. Therefore, it has been classified as a Variant of Uncertain Significance.

NM_001197104.2(KMT2A):c.1807C>T (p.Pro603Ser)

Gene: KMT2A (lysine methyltransferase 2A; plus strand). Cytogenetic location: 11q23.3.
Variant type: single nucleotide variant.
Coding change: c.1807C>T on transcript NM_001197104.2 (MANE Select); coding-DNA position 1807, C replaced by T.
Protein change: p.Pro603Ser; replaces proline 603 with serine.
Molecular consequence: missense variant.
Genome position (GRCh38, 1-based): chr11:118,472,966, C>T. VCF-style: chr11-118472966-C-T. GRCh37 (hg19) VCF-style: chr11-118343681-C-T.
Other names: c.1906C>T, p.Pro636Ser (NM_001412597.1); c.1807C>T, p.Pro603Ser (NM_005933.4); short protein forms P603S, P636S.
Identifiers: ClinVar variation 1938249 (VCV001938249.9), dbSNP rs782548809, ClinGen allele CA6303446.